The following is an entry in ClinVar:

NM_014679.5(CEP57):c.245G>T (p.Arg82Leu)

Gene: CEP57 (centrosomal protein 57; plus strand). Cytogenetic location: 11q21.
Variant type: single nucleotide variant.
Coding change: c.245G>T on transcript NM_014679.5 (MANE Select); coding-DNA position 245, G replaced by T.
Protein change: p.Arg82Leu; replaces arginine 82 with leucine.
Molecular consequence: missense variant.
Genome position (GRCh38, 1-based): chr11:95,812,974, G>T. VCF-style: chr11-95812974-G-T. GRCh37 (hg19) VCF-style: chr11-95546138-G-T.
Other names: c.218G>T, p.Arg73Leu (NM_001243776.2); c.245G>T, p.Arg82Leu (NM_001243777.2); c.164G>T, p.Arg55Leu (NM_001363604.2); short protein forms R82L, R55L, R73L.
Identifiers: ClinVar variation 4000984 (VCV004000984.1).
Genomic context (GRCh38, chr11:95,812,974, plus strand): 5'-TGTGTTTGTATTTGGCAGCCATATTTTCTGCTCTTAAGAATCTTCAAGATAAGATTCGAC[G>T]CTTGGAACTTGAGAGGATTCAGGCAGAAGAAAGTGTGAAAACCTTGTCTAGAGAAACAAT-3'
Protein context (NP_055494.2, residues 72-92): ALKNLQDKIR[Arg82Leu]LELERIQAEE

ClinVar aggregate classification (germline): Uncertain significance (1 of 4 stars; one submission).

Conditions:
Inborn genetic diseases. Identifiers: MedGen C0950123, MeSH D030342.

gnomAD v4.1: 2 of 1,614,010 alleles (0.00012%); highest among the groups gnomAD compares: Non-Finnish European, 0.00017%; no homozygotes.

Submission:

Ambry Genetics
Classification: Uncertain significance for Inborn genetic diseases. Last evaluated: 2025-03-27. Review status: criteria provided, single submitter. Criteria: Ambry Variant Classification Scheme 2023. Collection method: clinical testing. Allele origin: germline.
Comment: The p.R82L variant (also known as c.245G>T), located in coding exon 3 of the CEP57 gene, results from a G to T substitution at nucleotide position 245. The arginine at codon 82 is replaced by leucine, an amino acid with dissimilar properties. This amino acid position is conserved. In addition, the in silico prediction for this alteration is inconclusive. Based on the available evidence, the clinical significance of this variant remains unclear.